The following is an entry in ClinVar:

NM_017636.4(TRPM4):c.253C>T (p.Arg85Cys)

Gene: TRPM4 (transient receptor potential cation channel subfamily M member 4; plus strand). Cytogenetic location: 19q13.33.
Variant type: single nucleotide variant.
Coding change: c.253C>T on transcript NM_017636.4 (MANE Select); coding-DNA position 253, C replaced by T.
Protein change: p.Arg85Cys; replaces arginine 85 with cysteine.
Molecular consequence: missense variant. On other transcripts: 5 prime UTR variant (1), intron variant (2).
Genome position (GRCh38, 1-based): chr19:49,166,201, C>T. VCF-style: chr19-49166201-C-T. GRCh37 (hg19) VCF-style: chr19-49669458-C-T.
Other names: c.253C>T, p.Arg85Cys (NM_001195227.2, NM_001321281.2); c.-1120C>T (NM_001321282.2); c.-74-2059C>T (NM_001321283.2); c.-237-2352C>T (NM_001321285.2); short protein forms R85C.
Identifiers: ClinVar variation 4701152 (VCV004701152.1).
Genomic context (GRCh38, chr19:49,166,201, plus strand): 5'-GCACACACCACGGAGAAGCCCACCGATGCCTACGGAGAGCTGGACTTCACGGGGGCCGGC[C>T]GCAAGCACAGCAATGTGAGGCGGGCCTCTGTGGGCGGGGCCCGGGCACCAGGGGGCTGCA-3'
Protein context (NP_060106.2, residues 75-95): YGELDFTGAG[Arg85Cys]KHSNFLRLSD

ClinVar aggregate classification (germline): Uncertain significance (1 of 4 stars; one submission).

Conditions:
Progressive familial heart block type IB (PFHB1B). Identifiers: Orphanet 871, MedGen C1970298, MONDO:0011474, OMIM 604559.

gnomAD v4.1: 3 of 1,605,724 alleles (0.00019%); highest among the groups gnomAD compares: East Asian, 0.0022%; no homozygotes.

Submission:

Labcorp Genetics (formerly Invitae), Labcorp
Classification: Uncertain significance for Progressive familial heart block type IB. Last evaluated: 2025-12-08. Review status: criteria provided, single submitter. Criteria: Invitae Variant Classification Sherloc (09022015). Collection method: clinical testing. Allele origin: germline.
Comment: This sequence change replaces arginine, which is basic and polar, with cysteine, which is neutral and slightly polar, at codon 85 of the TRPM4 protein (p.Arg85Cys). The frequency data for this variant in the population databases is considered unreliable, as metrics indicate poor data quality at this position in the gnomAD database. This variant has not been reported in the literature in individuals affected with TRPM4-related conditions. An algorithm developed to predict the effect of missense changes on protein structure and function (PolyPhen-2) suggests that this variant is likely to be disruptive. In summary, the available evidence is currently insufficient to determine the role of this variant in disease. Therefore, it has been classified as a Variant of Uncertain Significance.